The following is an entry in ClinVar:

NM_004393.6(DAG1):c.889T>A (p.Trp297Arg)

Gene: DAG1 (dystroglycan 1; plus strand). Cytogenetic location: 3p21.31.
Variant type: single nucleotide variant.
Coding change: c.889T>A on transcript NM_004393.6 (MANE Select); coding-DNA position 889, T replaced by A.
Protein change: p.Trp297Arg; replaces tryptophan 297 with arginine.
Molecular consequence: missense variant.
Genome position (GRCh38, 1-based): chr3:49,531,400, T>A. VCF-style: chr3-49531400-T-A. GRCh37 (hg19) VCF-style: chr3-49568833-T-A.
Other names: c.889T>A, p.Trp297Arg (NM_001165928.4, NM_001177634.3, NM_001177635.3 and 9 more transcripts); short protein forms W297R.
Identifiers: ClinVar variation 2119075 (VCV002119075.4), dbSNP rs2472611502, ClinGen allele CA352794302.
Genomic context (GRCh38, chr3:49,531,400, plus strand): 5'-GTAGAGGCCCCTGCCAGGGAGGGCGCAATGTCTGCTCAGCTTGGCTACCCTGTGGTGGGT[T>A]GGCACATCGCCAATAAGAAGCCCCCTCTTCCCAAACGCGTCCGGAGGCAGATCCATGCTA-3'
Protein context (NP_004384.5, residues 287-307): SAQLGYPVVG[Trp297Arg]HIANKKPPLP

ClinVar aggregate classification (germline): Uncertain significance (1 of 4 stars; one submission).

Conditions:
Muscular dystrophy-dystroglycanopathy (congenital with brain and eye anomalies), type A9. Also called: WALKER-WARBURG SYNDROME OR MUSCLE-EYE BRAIN DISEASE, DAG1-RELATED; Muscular dystrophy-dystroglycanopathy (congenital with brain and eye anomalies), type a, 9. Identifiers: Orphanet 370997, Orphanet 899, MedGen C4225291, MONDO:0014683, OMIM 616538.
Autosomal recessive limb-girdle muscular dystrophy type 2P. Also called: MUSCULAR DYSTROPHY-DYSTROGLYCANOPATHY, LIMB-GIRDLE, DAG1-RELATED; Limb-Girdle Muscular Dystrophy Type 9C; MUSCULAR DYSTROPHY, LIMB-GIRDLE, TYPE 2P. Identifiers: Orphanet 280333, MedGen C4511963, MONDO:0013440, OMIM 613818.

Submission:

Labcorp Genetics (formerly Invitae), Labcorp
Classification: Uncertain significance for Autosomal recessive limb-girdle muscular dystrophy type 2P; Muscular dystrophy-dystroglycanopathy (congenital with brain and eye anomalies), type A9. Last evaluated: 2022-03-28. Review status: criteria provided, single submitter. Criteria: Invitae Variant Classification Sherloc (09022015). Collection method: clinical testing. Allele origin: germline.
Comment: Algorithms developed to predict the effect of missense changes on protein structure and function are either unavailable or do not agree on the potential impact of this missense change (SIFT: "Tolerated"; PolyPhen-2: "Probably Damaging"; Align-GVGD: "Class C0"). This variant has not been reported in the literature in individuals affected with DAG1-related conditions. This variant is not present in population databases (gnomAD no frequency). This sequence change replaces tryptophan, which is neutral and slightly polar, with arginine, which is basic and polar, at codon 297 of the DAG1 protein (p.Trp297Arg). In summary, the available evidence is currently insufficient to determine the role of this variant in disease. Therefore, it has been classified as a Variant of Uncertain Significance.